The following is an entry in ClinVar:

NM_003151.4(STAT4):c.200A>T (p.Gln67Leu)

Gene: STAT4 (signal transducer and activator of transcription 4; minus strand). Cytogenetic location: 2q32.3.
Variant type: single nucleotide variant.
Coding change: c.200A>T on transcript NM_003151.4 (MANE Select); coding-DNA position 200, A replaced by T.
Protein change: p.Gln67Leu; replaces glutamine 67 with leucine.
Molecular consequence: missense variant.
Genome position (GRCh38, 1-based): chr2:191,146,686, T>A on the plus strand (A>T on the coding strand, the complement: STAT4 is on the minus strand). VCF-style: chr2-191146686-T-A. GRCh37 (hg19) VCF-style: chr2-192011412-T-A.
Other names: c.200A>T, p.Gln67Leu (NM_001243835.2); short protein forms Q67L.
Identifiers: ClinVar variation 3656606 (VCV003656606.2).

ClinVar aggregate classification (germline): Uncertain significance (1 of 4 stars; one submission).

Submission:

Labcorp Genetics (formerly Invitae), Labcorp
Classification: Uncertain significance. Last evaluated: 2024-06-13. Review status: criteria provided, single submitter. Criteria: Invitae Variant Classification Sherloc (09022015). Collection method: clinical testing. Allele origin: germline.
Comment: This sequence change replaces glutamine, which is neutral and polar, with leucine, which is neutral and non-polar, at codon 67 of the STAT4 protein (p.Gln67Leu). This variant is present in population databases (no rsID available, gnomAD 0.004%). This variant has not been reported in the literature in individuals affected with STAT4-related conditions. Advanced modeling of protein sequence and biophysical properties (such as structural, functional, and spatial information, amino acid conservation, physicochemical variation, residue mobility, and thermodynamic stability) performed at Invitae indicates that this missense variant is not expected to disrupt STAT4 protein function with a negative predictive value of 80%. In summary, the available evidence is currently insufficient to determine the role of this variant in disease. Therefore, it has been classified as a Variant of Uncertain Significance.